The following is an entry in ClinVar:

ClinVar aggregate classification (germline): Likely benign. Review status: criteria provided, multiple submitters, no conflicts (2 of 4 stars). 2 submissions from 2 submitters: Likely benign (2). Last evaluated 2026-06-23.

Conditions:
RAB7A-related disorder. Also called: RAB7A-related condition.
Charcot-Marie-Tooth disease type 2B (CMT2B). Also called: CHARCOT-MARIE-TOOTH DISEASE, AUTOSOMAL DOMINANT, TYPE 2B; Charcot-Marie-Tooth Neuropathy Type 2B; HEREDITARY MOTOR AND SENSORY NEUROPATHY IIB; CHARCOT-MARIE-TOOTH DISEASE, AXONAL, TYPE 2B. Identifiers: Orphanet 99936, MedGen C1833219, MONDO:0010949, OMIM 600882.

Allele frequency attached by ClinVar (database versions not stated): gnomAD exomes 0.00001; gnomAD 0.00005 and 0.00006.
gnomAD v4.1: 16 of 1,613,364 alleles (0.00099%); highest among the groups gnomAD compares: African/African-American, 0.019%; no homozygotes.

Submissions (2):

PreventionGenetics, part of Exact Sciences
Classification: Likely benign for RAB7A-related condition. Last evaluated: 2026-06-23. Review status: criteria provided, single submitter. Criteria: ACMG Guidelines, 2015. Collection method: clinical testing. Allele origin: germline.
Comment: This variant is classified as likely benign based on ACMG/AMP sequence variant interpretation guidelines (Richards et al. 2015 PMID: 25741868, with internal and published modifications).

Labcorp Genetics (formerly Invitae), Labcorp
Classification: Likely benign for Charcot-Marie-Tooth disease type 2B. Last evaluated: 2022-03-23. Review status: criteria provided, single submitter. Criteria: Invitae Variant Classification Sherloc (09022015). Collection method: clinical testing. Allele origin: germline.

NM_004637.6(RAB7A):c.205C>A (p.Arg69=)

Gene: RAB7A (RAB7A, member RAS oncogene family; plus strand). Cytogenetic location: 3q21.3.
Variant type: single nucleotide variant.
Coding change: c.205C>A on transcript NM_004637.6 (MANE Select); coding-DNA position 205, C replaced by A.
Protein change: p.Arg69=; no amino-acid change (arginine 69 retained).
Molecular consequence: synonymous variant.
Genome position (GRCh38, 1-based): chr3:128,806,396, C>A. VCF-style: chr3-128806396-C-A. GRCh37 (hg19) VCF-style: chr3-128525239-C-A.
Other names: c.205C>A (NM_004637.5).
Identifiers: ClinVar variation 1130756 (VCV001130756.10), dbSNP rs963655960, ClinGen allele CA82631181.